The following is an entry in ClinVar:

NM_016507.4(CDK12):c.1327G>A (p.Glu443Lys)

Gene: CDK12 (cyclin dependent kinase 12; plus strand). Cytogenetic location: 17q12.
Variant type: single nucleotide variant.
Coding change: c.1327G>A on transcript NM_016507.4 (MANE Select); coding-DNA position 1327, G replaced by A.
Protein change: p.Glu443Lys; replaces glutamic acid 443 with lysine.
Molecular consequence: missense variant.
Genome position (GRCh38, 1-based): chr17:39,471,159, G>A. VCF-style: chr17-39471159-G-A. GRCh37 (hg19) VCF-style: chr17-37627412-G-A.
Other names: c.1327G>A, p.Glu443Lys (NM_015083.4); short protein forms E443K.
Identifiers: ClinVar variation 3999250 (VCV003999250.1).

ClinVar aggregate classification (germline): Uncertain significance (1 of 4 stars; one submission).

Submission:

Ambry Genetics
Classification: Uncertain significance. Last evaluated: 2025-03-22. Review status: criteria provided, single submitter. Criteria: Ambry Variant Classification Scheme 2023. Collection method: clinical testing. Allele origin: germline.
Comment: The p.E443K variant (also known as c.1327G>A), located in coding exon 2 of the CDK12 gene, results from a G to A substitution at nucleotide position 1327. The glutamic acid at codon 443 is replaced by lysine, an amino acid with similar properties. This amino acid position is conserved. In addition, this alteration is predicted to be tolerated by in silico analysis. Based on the available evidence, the clinical significance of this variant remains unclear.